The following is an entry in ClinVar:

ClinVar aggregate classification (germline): Likely benign (1 of 4 stars; one submission).

Allele frequency attached by ClinVar (database versions not stated): gnomAD 0.02797 and 0.02839; TOPMed 0.02806; 1000 Genomes Project 30x 0.02046; 1000 Genomes Project 0.01997.

Submission:

GeneDx
Classification: Likely benign. Last evaluated: 2018-06-14. Review status: criteria provided, single submitter. Criteria: GeneDx Variant Classification (06012015). Collection method: clinical testing. Allele origin: germline. Affected: yes.
Comment: This variant is considered likely benign or benign based on one or more of the following criteria: it is a conservative change, it occurs at a poorly conserved position in the protein, it is predicted to be benign by multiple in silico algorithms, and/or has population frequency not consistent with disease.

NM_020381.3(PDSS2):c.-539C>T

Gene: PDSS2 (decaprenyl diphosphate synthase subunit 2; minus strand). Cytogenetic location: 6q21.
Variant type: single nucleotide variant.
Coding change: c.-539C>T on transcript NM_020381.3; 539 bases upstream of the start codon, C replaced by T.
Genome position (GRCh38, 1-based): chr6:107,459,824, G>A on the plus strand (C>T on the coding strand, the complement: PDSS2 is on the minus strand). VCF-style: chr6-107459824-G-A. GRCh37 (hg19) VCF-style: chr6-107781028-G-A.
Identifiers: ClinVar variation 674100 (VCV000674100.3), dbSNP rs117345871, ClinGen allele CA145623550.